The following is an entry in ClinVar:

NM_018192.4(P3H2):c.1160A>T (p.Glu387Val)

Gene: P3H2 (prolyl 3-hydroxylase 2; minus strand). Cytogenetic location: 3q28.
Variant type: single nucleotide variant.
Coding change: c.1160A>T on transcript NM_018192.4 (MANE Select); coding-DNA position 1160, A replaced by T.
Protein change: p.Glu387Val; replaces glutamic acid 387 with valine.
Molecular consequence: missense variant.
Genome position (GRCh38, 1-based): chr3:189,986,816, T>A on the plus strand (A>T on the coding strand, the complement: P3H2 is on the minus strand). VCF-style: chr3-189986816-T-A. GRCh37 (hg19) VCF-style: chr3-189704605-T-A.
Other names: c.617A>T, p.Glu206Val (NM_001134418.2); short protein forms E387V, E206V.
Identifiers: ClinVar variation 863323 (VCV000863323.6), dbSNP rs765345631, ClinGen allele CA2753065.

ClinVar aggregate classification (germline): Uncertain significance. Review status: criteria provided, multiple submitters, no conflicts (2 of 4 stars). 2 submissions from 2 submitters: Uncertain significance (2). Last evaluated 2025-02-20.

Conditions:
Inborn genetic diseases. Identifiers: MedGen C0950123, MeSH D030342.

Allele frequency attached by ClinVar (database versions not stated): TOPMed 0.00003; ExAC 0.00001; gnomAD exomes below 0.00001.
gnomAD v4.1: 3 of 1,612,356 alleles (0.00019%); highest among the groups gnomAD compares: African/African-American, 0.004%; no homozygotes.

Submissions (3):

Ambry Genetics
Classification: Uncertain significance for Inborn genetic diseases. Last evaluated: 2025-02-20. Review status: criteria provided, single submitter. Criteria: Ambry Variant Classification Scheme 2023. Collection method: clinical testing. Allele origin: germline.

Labcorp Genetics (formerly Invitae), Labcorp
Classification: Uncertain significance. Last evaluated: 2022-05-12. Review status: criteria provided, single submitter. Criteria: Invitae Variant Classification Sherloc (09022015). Collection method: clinical testing. Allele origin: germline.
Comment: This sequence change replaces glutamic acid, which is acidic and polar, with valine, which is neutral and non-polar, at codon 387 of the P3H2 protein (p.Glu387Val). This variant is present in population databases (rs765345631, gnomAD 0.008%). This variant has not been reported in the literature in individuals affected with P3H2-related conditions. ClinVar contains an entry for this variant (Variation ID: 863323). Algorithms developed to predict the effect of missense changes on protein structure and function output the following: SIFT: "Tolerated"; PolyPhen-2: "Benign"; Align-GVGD: "Class C0". The valine amino acid residue is found in multiple mammalian species, which suggests that this missense change does not adversely affect protein function. Algorithms developed to predict the effect of sequence changes on RNA splicing suggest that this variant may create or strengthen a splice site. In summary, the available evidence is currently insufficient to determine the role of this variant in disease. Therefore, it has been classified as a Variant of Uncertain Significance.

Dr. Peter K. Rogan Lab, Western University
No classification provided (evidence only). Condition: Lung cancer. Review status: no classification provided. Collection method: in vitro. Allele origin: not applicable. Functional consequence: retained intron. Not counted in ClinVar's aggregate classification.